The following is an entry in ClinVar:

NM_007294.4(BRCA1):c.4036G>T (p.Glu1346Ter)

Genes: BRCA1 (BRCA1 DNA repair associated; minus strand), LOC126862571 (BRD4-independent group 4 enhancer GRCh37_chr17:41243136-41244335; plus strand). Cytogenetic location: 17q21.31.
Variant type: single nucleotide variant.
Coding change: c.4036G>T on transcript NM_007294.4 (MANE Select); coding-DNA position 4036, G replaced by T.
Protein change: p.Glu1346Ter; replaces glutamic acid 1346 with a stop codon.
Molecular consequence: nonsense. On other transcripts: intron variant (135).
Genome position (GRCh38, 1-based): chr17:43,091,495, C>A on the plus strand (G>T on the coding strand, the complement: BRCA1 is on the minus strand). VCF-style: chr17-43091495-C-A. GRCh37 (hg19) VCF-style: chr17-41243512-C-A.
Other names: c.3895G>T, p.Glu1299Ter (NM_001407696.1, NM_001407697.1, NM_001407698.1 and 29 more transcripts); c.3892G>T, p.Glu1298Ter (NM_001407740.1, NM_001407741.1, NM_001407742.1 and 20 more transcripts); c.3823G>T, p.Glu1275Ter (NM_001407853.1, NM_001407894.1, NM_001407895.1 and 9 more transcripts); c.4036G>T, p.Glu1346Ter (NM_001407854.1, NM_001407858.1, NM_001407859.1 and 30 more transcripts); c.4033G>T, p.Glu1345Ter (NM_001407860.1, NM_001407861.1, NM_001407587.1 and 22 more transcripts); c.3835G>T, p.Glu1279Ter (NM_001407862.1); c.3913G>T, p.Glu1305Ter (NM_001407863.1, NM_001407919.1, NM_001407937.1 and 19 more transcripts); c.3832G>T, p.Glu1278Ter (NM_001407874.1, NM_001407875.1); and 41 more; short protein forms E1050*, E1219*, E1234*, E1258*, E1298*, E1299*, E1304*, E1305*.
Identifiers: ClinVar variation 2774841 (VCV002774841.2), dbSNP rs80357407, ClinGen allele CA10593886.

ClinVar aggregate classification (germline): Pathogenic (1 of 4 stars; one submission).

Conditions:
Hereditary cancer-predisposing syndrome. Also called: Neoplastic Syndromes, Hereditary; Tumor predisposition; Hereditary Cancer Syndrome; Hereditary neoplastic syndrome. Identifiers: Orphanet 140162, MedGen C0027672, MeSH D009386, MONDO:0015356.

Submission:

Color Diagnostics, LLC DBA Color Health
Classification: Pathogenic for Hereditary cancer-predisposing syndrome. Last evaluated: 2022-06-29. Review status: criteria provided, single submitter. Criteria: ACMG Guidelines, 2015. Collection method: clinical testing. Allele origin: germline.
Comment: This variant changes 1 nucleotide in exon 10 of the BRCA1 gene, creating a premature translation stop signal. This variant is expected to result in an absent or non-functional protein product. To our knowledge, this variant has not been reported in individuals affected with hereditary cancer in the literature. This variant has not been identified in the general population by the Genome Aggregation Database (gnomAD). Loss of BRCA1 function is a known mechanism of disease. Based on the available evidence, this variant is classified as Pathogenic.